The following is an entry in ClinVar:

NM_001122630.2(CDKN1C):c.602C>G (p.Pro201Arg)

Gene: CDKN1C (cyclin dependent kinase inhibitor 1C; minus strand). Cytogenetic location: 11p15.4.
Variant type: single nucleotide variant.
Coding change: c.602C>G on transcript NM_001122630.2 (MANE Select); coding-DNA position 602, C replaced by G.
Protein change: p.Pro201Arg; replaces proline 201 with arginine.
Molecular consequence: missense variant. On other transcripts: intron variant (1).
Genome position (GRCh38, 1-based): chr11:2,884,855, G>C on the plus strand (C>G on the coding strand, the complement: CDKN1C is on the minus strand). VCF-style: chr11-2884855-G-C. GRCh37 (hg19) VCF-style: chr11-2906085-G-C.
Other names: c.635C>G, p.Pro212Arg (NM_000076.2, NM_001362474.2); c.602C>G, p.Pro201Arg (NM_001122631.2); c.255+347C>G (NM_001362475.2); short protein forms P201R, P212R.
Identifiers: ClinVar variation 1061778 (VCV001061778.9), dbSNP rs1590149394, ClinGen allele CA379146177.
Genomic context (GRCh38, chr11:2,884,855, plus strand): 5'-TGCCCCTGGTTCGCGCCCTGCTCGGCGCTCTCTTGAGGCGCCGCGTCCGGGGCCGGGGCC[G>C]GGGCGGGGGCCGGGGCCGGGGCCGGGGCCGGGGCTGGGGCCGGGGCCGCGACTGGAGCCG-3'
Protein context (NP_001116102.1, residues 191-211): PAPAPAPAPA[Pro201Arg]APAPDAAPQE

ClinVar aggregate classification (germline): Uncertain significance (1 of 4 stars; one submission).

Conditions:
Beckwith-Wiedemann syndrome (BWS). Also called: Exomphalos macroglossia gigantism syndrome; EMG SYNDROME. Identifiers: Orphanet 116, MedGen C0004903, MONDO:0007534, OMIM 130650.

Submission:

Labcorp Genetics (formerly Invitae), Labcorp
Classification: Uncertain significance for Beckwith-Wiedemann syndrome. Last evaluated: 2022-11-10. Review status: criteria provided, single submitter. Criteria: Invitae Variant Classification Sherloc (09022015). Collection method: clinical testing. Allele origin: germline.
Comment: This sequence change replaces proline, which is neutral and non-polar, with arginine, which is basic and polar, at codon 212 of the CDKN1C protein (p.Pro212Arg). The frequency data for this variant in the population databases is considered unreliable, as metrics indicate insufficient coverage at this position in the gnomAD database. This variant has not been reported in the literature in individuals affected with CDKN1C-related conditions. ClinVar contains an entry for this variant (Variation ID: 1061778). Advanced modeling of protein sequence and biophysical properties (such as structural, functional, and spatial information, amino acid conservation, physicochemical variation, residue mobility, and thermodynamic stability) performed at Invitae indicates that this missense variant is not expected to disrupt CDKN1C protein function. In summary, the available evidence is currently insufficient to determine the role of this variant in disease. Therefore, it has been classified as a Variant of Uncertain Significance.